The following is an entry in ClinVar:

NM_001162501.2(TNRC6B):c.2041G>C (p.Gly681Arg)

Gene: TNRC6B (trinucleotide repeat containing adaptor 6B; plus strand). Cytogenetic location: 22q13.1.
Variant type: single nucleotide variant.
Coding change: c.2041G>C on transcript NM_001162501.2 (MANE Select); coding-DNA position 2041, G replaced by C.
Protein change: p.Gly681Arg; replaces glycine 681 with arginine.
Molecular consequence: missense variant. On other transcripts: intron variant (1).
Genome position (GRCh38, 1-based): chr22:40,266,271, G>C. VCF-style: chr22-40266271-G-C. GRCh37 (hg19) VCF-style: chr22-40662275-G-C.
Other names: c.2041G>C, p.Gly681Arg (NM_015088.3); c.566-3851G>C (NM_001024843.2); short protein forms G681R.
Identifiers: ClinVar variation 3383017 (VCV003383017.2).
Genomic context (GRCh38, chr22:40,266,271, plus strand): 5'-AAGAACTCAGGGGGCTGGGGAGATGCACCCAGCCAAAGCAATCAAATGAAGTCTGGATGG[G>C]GGGAGCTCTCAGCCTCTACAGAGTGGAAAGACCCCAAGAACACAGGAGGCTGGAATGACT-3'
Protein context (NP_001155973.1, residues 671-691): SQSNQMKSGW[Gly681Arg]ELSASTEWKD

ClinVar aggregate classification (germline): Uncertain significance (1 of 4 stars; one submission).

Conditions:
Global developmental delay with speech and behavioral abnormalities. Identifiers: MedGen C5543226, MONDO:0030995, OMIM 619243.

Submission:

Juno Genomics, Hangzhou Juno Genomics, Inc
Classification: Uncertain significance for Global developmental delay with speech and behavioral abnormalities. Review status: criteria provided, single submitter. Criteria: ACMG Guidelines, 2015. Collection method: clinical testing. Allele origin: germline. Affected: yes.
Comment: Absent from controls (or at extremely low frequency if recessive) in Genome Aggregation Database, Exome Sequencing Project, 1000 Genomes Project, or Exome Aggregation Consortium.